The following is an entry in ClinVar:

ClinVar aggregate classification (germline): Uncertain significance (1 of 4 stars; one submission).

Submission:

Labcorp Genetics (formerly Invitae), Labcorp
Classification: Uncertain significance. Last evaluated: 2026-01-26. Review status: criteria provided, single submitter. Criteria: Invitae Variant Classification Sherloc (09022015). Collection method: clinical testing. Allele origin: germline.
Comment: This variant, c.1074_1079del, results in the deletion of 2 amino acid(s) of the ALPK3 protein (p.Asn358_Ser359del), but otherwise preserves the integrity of the reading frame. This variant is not present in population databases (gnomAD no frequency). This variant has not been reported in the literature in individuals affected with ALPK3-related conditions. Experimental studies and prediction algorithms are not available or were not evaluated, and the functional significance of this variant is currently unknown. In summary, the available evidence is currently insufficient to determine the role of this variant in disease. Therefore, it has been classified as a Variant of Uncertain Significance.

NM_020778.5(ALPK3):c.468_473del (p.Asn156_Ser157del)

Gene: ALPK3 (alpha kinase 3; plus strand). Cytogenetic location: 15q25.3.
Variant type: Deletion.
Coding change: c.468_473del on transcript NM_020778.5 (MANE Select); coding-DNA positions 468 to 473, 6 bases deleted (CAGCAA; older notation c.468_473delCAGCAA).
Protein change: p.Asn156_Ser157del.
Molecular consequence: inframe deletion.
Genome position (GRCh38, 1-based): chr15:84,839,747-84,839,752, CAGCAA deleted; deleting any 6 consecutive bases within chr15:84,839,745-84,839,752 gives the same sequence; the c. name uses the placement nearest the transcript's 3' end. VCF-style (leftmost placement, unchanged base first): chr15-84839744-GAACAGC-G. GRCh37 (hg19) VCF-style: chr15-85382975-GAACAGC-G.
Identifiers: ClinVar variation 4736223 (VCV004736223.1).
Genomic context (GRCh38, chr15:84,839,744, plus strand): 5'-TCCCGCTCCTACCTCTAGGTGTCGAGAAGAAGATGCCGCCATCTACCAGGCCTCTGCCCA[GAACAGC>G]AAGGGCATTGTGTCCTGCTCAGGGGTCCTGGAGGTGGGCACCATGACTGAGTACAAGATC-3'